The following is an entry in ClinVar:

ClinVar aggregate classification (germline): Uncertain significance (1 of 4 stars; one submission).

Conditions:
Dilated cardiomyopathy 1J (CMD1J). Also called: CARDIOMYOPATHY, DILATED, WITH SENSORINEURAL HEARING LOSS, AUTOSOMAL DOMINANT. Identifiers: Orphanet 217622, MedGen C1854368, MONDO:0011541, OMIM 605362.

Submission:

Labcorp Genetics (formerly Invitae), Labcorp
Classification: Uncertain significance for Dilated cardiomyopathy 1J. Last evaluated: 2022-03-22. Review status: criteria provided, single submitter. Criteria: Invitae Variant Classification Sherloc (09022015). Collection method: clinical testing. Allele origin: germline.
Comment: In summary, the available evidence is currently insufficient to determine the role of this variant in disease. Therefore, it has been classified as a Variant of Uncertain Significance. Algorithms developed to predict the effect of missense changes on protein structure and function are either unavailable or do not agree on the potential impact of this missense change (SIFT: "Deleterious"; PolyPhen-2: "Probably Damaging"; Align-GVGD: "Class C15"). This variant has not been reported in the literature in individuals affected with EYA4-related conditions. This variant is not present in population databases (gnomAD no frequency). This sequence change replaces aspartic acid, which is acidic and polar, with asparagine, which is neutral and polar, at codon 436 of the EYA4 protein (p.Asp436Asn).

NM_004100.5(EYA4):c.1306G>A (p.Asp436Asn)

Genes: TARID (TCF21 antisense RNA inducing promoter demethylation; minus strand), EYA4 (EYA transcriptional coactivator and phosphatase 4; plus strand). Cytogenetic location: 6q23.2.
Variant type: single nucleotide variant.
Coding change: c.1306G>A on transcript NM_004100.5 (MANE Select); coding-DNA position 1306, G replaced by A.
Protein change: p.Asp436Asn; replaces aspartic acid 436 with asparagine.
Molecular consequence: missense variant.
Genome position (GRCh38, 1-based): chr6:133,512,745, G>A. VCF-style: chr6-133512745-G-A. GRCh37 (hg19) VCF-style: chr6-133833883-G-A.
Other names: c.1144G>A, p.Asp382Asn (NM_001301012.2); c.1324G>A, p.Asp442Asn (NM_001301013.2); c.1237G>A, p.Asp413Asn (NM_001370458.1, NM_172103.4); c.1162G>A, p.Asp388Asn (NM_001370459.1); c.1306G>A, p.Asp436Asn (NM_172105.4); short protein forms D388N, D436N, D382N, D442N, D413N.
Identifiers: ClinVar variation 1364371 (VCV001364371.6), dbSNP rs2128781857, ClinGen allele CA365714640.
Genomic context (GRCh38, chr6:133,512,745, plus strand): 5'-TTAGAAAACAAATAACTTTTCCAATGTTTTTAACAGGAGTGTGATCAAGTTCATATAGAT[G>A]ATGTTTCCTCTGATGATAATGGGCAGGACTTAAGGTAAGCTATGCCTTTCAGTATGCTGT-3'
Protein context (NP_004091.3, residues 426-446): LEECDQVHID[Asp436Asn]VSSDDNGQDL